The following is an entry in ClinVar:

ClinVar aggregate classification (germline): Uncertain significance (1 of 4 stars; one submission).

Allele frequency attached by ClinVar (database versions not stated): gnomAD exomes 0.00001.
gnomAD v4.1: 5 of 1,607,380 alleles (0.00031%); highest among the groups gnomAD compares: Admixed American, 0.0017%; no homozygotes.

Submission:

Labcorp Genetics (formerly Invitae), Labcorp
Classification: Uncertain significance. Last evaluated: 2022-06-26. Review status: criteria provided, single submitter. Criteria: Invitae Variant Classification Sherloc (09022015). Collection method: clinical testing. Allele origin: germline.
Comment: In summary, the available evidence is currently insufficient to determine the role of this variant in disease. Therefore, it has been classified as a Variant of Uncertain Significance. Algorithms developed to predict the effect of missense changes on protein structure and function output the following: SIFT: "Deleterious"; PolyPhen-2: "Benign"; Align-GVGD: "Class C45". The asparagine amino acid residue is found in multiple mammalian species, which suggests that this missense change does not adversely affect protein function. This variant has not been reported in the literature in individuals affected with NBAS-related conditions. This variant is present in population databases (no rsID available, gnomAD 0.0009%). This sequence change replaces serine, which is neutral and polar, with asparagine, which is neutral and polar, at codon 174 of the NBAS protein (p.Ser174Asn).

NM_015909.4(NBAS):c.521G>A (p.Ser174Asn)

Gene: NBAS (NBAS subunit of NRZ tethering complex; minus strand). Cytogenetic location: 2p24.3.
Variant type: single nucleotide variant.
Coding change: c.521G>A on transcript NM_015909.4 (MANE Select); coding-DNA position 521, G replaced by A.
Protein change: p.Ser174Asn; replaces serine 174 with asparagine.
Molecular consequence: missense variant. On other transcripts: non-coding transcript variant (1).
Genome position (GRCh38, 1-based): chr2:15,536,544, C>T on the plus strand (G>A on the coding strand, the complement: NBAS is on the minus strand). VCF-style: chr2-15536544-C-T. GRCh37 (hg19) VCF-style: chr2-15676668-C-T.
Other names: short protein forms S174N.
Identifiers: ClinVar variation 1985052 (VCV001985052.3), dbSNP rs1014502745, ClinGen allele CA42648792.
Genomic context (GRCh38, chr2:15,536,544, plus strand): 5'-CTTGCTTTATATTCTAAAAATATCAACCCAGCAATGGCATAGCTTAAGTCACCTATAAAA[C>T]TAGATGCCTACAGAAGAGGGGGAAATTAAGTTACTAAAAAAAAAAAAACTAGATAAAAGT-3'
Protein context (NP_056993.2, residues 164-184): SELFVISPAS[Ser174Asn]FIGDLSYAIA